The following is an entry in ClinVar:

NM_001128225.3(SLC39A13):c.767T>C (p.Leu256Pro)

Gene: SLC39A13 (solute carrier family 39 member 13; plus strand). Cytogenetic location: 11p11.2.
Variant type: single nucleotide variant.
Coding change: c.767T>C on transcript NM_001128225.3 (MANE Select); coding-DNA position 767, T replaced by C.
Protein change: p.Leu256Pro; replaces leucine 256 with proline.
Molecular consequence: missense variant. On other transcripts: non-coding transcript variant (1).
Genome position (GRCh38, 1-based): chr11:47,414,456, T>C. VCF-style: chr11-47414456-T-C. GRCh37 (hg19) VCF-style: chr11-47436007-T-C.
Other names: c.767T>C, p.Leu256Pro (NM_001330245.2, NM_152264.5); short protein forms L256P.
Identifiers: ClinVar variation 537267 (VCV000537267.9), dbSNP rs924156969, ClinGen allele CA221690678.

ClinVar aggregate classification (germline): Uncertain significance (1 of 4 stars; one submission).

Conditions:
Ehlers-Danlos syndrome, spondylodysplastic type, 3. Also called: Ehlers-Danlos syndrome, spondylocheirodysplastic type. Identifiers: Orphanet 157965, MedGen C2676510, MONDO:0012873, OMIM 612350.

Allele frequency attached by ClinVar (database versions not stated): gnomAD exomes below 0.00001 and 0.00001; gnomAD 0.00001; TOPMed 0.00001.
gnomAD v4.1: 3 of 1,612,204 alleles (0.00019%); highest among the groups gnomAD compares: Admixed American, 0.0017%; no homozygotes.

Submission:

Labcorp Genetics (formerly Invitae), Labcorp
Classification: Uncertain significance for Ehlers-Danlos syndrome, spondylodysplastic type, 3. Last evaluated: 2025-05-18. Review status: criteria provided, single submitter. Criteria: Invitae Variant Classification Sherloc (09022015). Collection method: clinical testing. Allele origin: germline.
Comment: This sequence change replaces leucine, which is neutral and non-polar, with proline, which is neutral and non-polar, at codon 256 of the SLC39A13 protein (p.Leu256Pro). This variant is present in population databases (no rsID available, gnomAD 0.003%). This variant has not been reported in the literature in individuals affected with SLC39A13-related conditions. ClinVar contains an entry for this variant (Variation ID: 537267). Invitae Evidence Modeling of protein sequence and biophysical properties (such as structural, functional, and spatial information, amino acid conservation, physicochemical variation, residue mobility, and thermodynamic stability) indicates that this missense variant is expected to disrupt SLC39A13 protein function with a positive predictive value of 80%. In summary, the available evidence is currently insufficient to determine the role of this variant in disease. Therefore, it has been classified as a Variant of Uncertain Significance.